The following is an entry in ClinVar:

NM_199242.3(UNC13D):c.780G>A (p.Trp260Ter)

Gene: UNC13D (unc-13 homolog D; minus strand). Cytogenetic location: 17q25.1.
Variant type: single nucleotide variant.
Coding change: c.780G>A on transcript NM_199242.3 (MANE Select); coding-DNA position 780, G replaced by A.
Protein change: p.Trp260Ter; replaces tryptophan 260 with a stop codon.
Molecular consequence: nonsense.
Genome position (GRCh38, 1-based): chr17:75,840,303, C>T on the plus strand (G>A on the coding strand, the complement: UNC13D is on the minus strand). VCF-style: chr17-75840303-C-T. GRCh37 (hg19) VCF-style: chr17-73836384-C-T.
Other names: short protein forms W260*.
Identifiers: ClinVar variation 2830798 (VCV002830798.3), dbSNP rs769371398, ClinGen allele CA8773276.
Genomic context (GRCh38, chr17:75,840,303, plus strand): 5'-GAACTGGAGGTGGCACTGGCCTCGGTCTGGGTAGGTCTCAGTGCGGGGTTCCAGGGGGTA[C>T]CACTGGTCCTCTCGGCAGCGCAGGTCCTGACAGGCGGGGATGCCCAGCCCGTGAGCGTCA-3'

ClinVar aggregate classification (germline): Pathogenic (1 of 4 stars; one submission).

Conditions:
Familial hemophagocytic lymphohistiocytosis 3 (FHL3). Also called: UNC13D-Related Familial Hemophagocytic Lymphohistiocytosis (UNC13D-fHLH). Identifiers: Orphanet 540, MedGen C1837174, MONDO:0012146, OMIM 608898.

Allele frequency attached by ClinVar (database versions not stated): ExAC 0.00001.
gnomAD v4.1: 3 of 1,613,746 alleles (0.00019%); highest among the groups gnomAD compares: Non-Finnish European, 0.00025%; no homozygotes.

Submission:

Labcorp Genetics (formerly Invitae), Labcorp
Classification: Pathogenic for Familial hemophagocytic lymphohistiocytosis 3. Last evaluated: 2023-01-21. Review status: criteria provided, single submitter. Criteria: Invitae Variant Classification Sherloc (09022015). Collection method: clinical testing. Allele origin: germline.
Comment: This sequence change creates a premature translational stop signal (p.Trp260*) in the UNC13D gene. It is expected to result in an absent or disrupted protein product. Loss-of-function variants in UNC13D are known to be pathogenic (PMID: 14622600). This variant is present in population databases (rs769371398, gnomAD 0.0009%). This variant has not been reported in the literature in individuals affected with UNC13D-related conditions. For these reasons, this variant has been classified as Pathogenic.

Literature cited by the submitters: PubMed 14622600.